The following is an entry in ClinVar:

ClinVar aggregate classification (germline): Benign/Likely benign. Review status: criteria provided, multiple submitters, no conflicts (2 of 4 stars). 5 submissions from 5 submitters: Benign (1); Likely benign (4). Last evaluated 2025-01-16.

Conditions:
Hereditary cancer-predisposing syndrome. Also called: Neoplastic Syndromes, Hereditary; Hereditary neoplastic syndrome; Tumor predisposition; Hereditary Cancer Syndrome. Identifiers: Orphanet 140162, MedGen C0027672, MeSH D009386, MONDO:0015356.
Familial cancer of breast. Also called: hereditary breast carcinoma; Hereditary breast cancer; BREAST CANCER, FAMILIAL. Identifiers: Orphanet 227535, MedGen C0346153, MONDO:0016419, OMIM 114480. Disease mechanism: loss of function.

Allele frequency attached by ClinVar (database versions not stated): ExAC 0.00001.
gnomAD v4.1: 1 of 1,614,180 alleles (0.000062%); no homozygotes.

Submissions (5):

Myriad Genetics, Inc.
Classification: Benign for Familial cancer of breast. Last evaluated: 2025-01-16. Review status: criteria provided, single submitter. Criteria: Myriad Autosomal Dominant, Autosomal Recessive and X-Linked Classification Criteria (2023). Collection method: clinical testing. Allele origin: unknown.
Comment: This variant is considered benign. This variant is a silent/synonymous amino acid change and it is not expected to impact splicing.

Quest Diagnostics Nichols Institute San Juan Capistrano
Classification: Likely benign. Last evaluated: 2024-12-11. Review status: criteria provided, single submitter. Criteria: Quest Diagnostics criteria. Collection method: clinical testing. Allele origin: unknown.

Labcorp Genetics (formerly Invitae), Labcorp
Classification: Likely benign for Familial cancer of breast. Last evaluated: 2023-10-24. Review status: criteria provided, single submitter. Criteria: Invitae Variant Classification Sherloc (09022015). Collection method: clinical testing. Allele origin: germline.

Color Diagnostics, LLC DBA Color Health
Classification: Likely benign for Hereditary cancer-predisposing syndrome. Last evaluated: 2022-03-01. Review status: criteria provided, single submitter. Criteria: ACMG Guidelines, 2015. Collection method: clinical testing. Allele origin: germline.

Ambry Genetics
Classification: Likely benign for Hereditary cancer-predisposing syndrome. Last evaluated: 2018-02-14. Review status: criteria provided, single submitter. Criteria: Ambry Variant Classification Scheme 2023. Collection method: clinical testing. Allele origin: germline.

NM_024675.4(PALB2):c.2367G>A (p.Leu789=)

Gene: PALB2 (partner and localizer of BRCA2; minus strand). Cytogenetic location: 16p12.2.
Variant type: single nucleotide variant.
Coding change: c.2367G>A on transcript NM_024675.4 (MANE Select); coding-DNA position 2367, G replaced by A.
Protein change: p.Leu789=; no amino-acid change (leucine 789 retained).
Molecular consequence: synonymous variant.
Genome position (GRCh38, 1-based): chr16:23,629,787, C>T on the plus strand (G>A on the coding strand, the complement: PALB2 is on the minus strand). VCF-style: chr16-23629787-C-T. GRCh37 (hg19) VCF-style: chr16-23641108-C-T.
Identifiers: ClinVar variation 795236 (VCV000795236.18), dbSNP rs780985758, ClinGen allele CA7963587.